The following is an entry in ClinVar:

ClinVar aggregate classification (germline): Conflicting classifications of pathogenicity. Review status: criteria provided, conflicting classifications (1 of 4 stars). 6 submissions from 6 submitters: Likely pathogenic (3); Uncertain significance (3). Last evaluated 2026-09-18.

Conditions:
Autosomal recessive nonsyndromic hearing loss 3. Also called: NEUROSENSORY NONSYNDROMIC RECESSIVE DEAFNESS 3. Identifiers: Orphanet 90636, MedGen C1838263, MONDO:0010860, OMIM 600316.
MYO15A-related disorder. Also called: MYO15A-related condition.
Childhood onset hearing loss.

Allele frequency attached by ClinVar (database versions not stated): gnomAD exomes 0.00004; ExAC 0.00007; gnomAD 0.00008; TOPMed 0.00013; 1000 Genomes Project 30x 0.00016; 1000 Genomes Project 0.00020; ESP Exome Variant Server 0.00024.
gnomAD v4.1: 32 of 1,613,488 alleles (0.002%); highest among the groups gnomAD compares: African/African-American, 0.041%; no homozygotes.

Submissions (6):

PreventionGenetics, part of Exact Sciences
Classification: Likely pathogenic for MYO15A-related condition. Last evaluated: 2026-09-18. Review status: criteria provided, single submitter. Criteria: ACMG Guidelines, 2015. Collection method: clinical testing. Allele origin: germline.
Comment: The MYO15A c.6302T>C variant is predicted to result in the amino acid substitution p.Leu2101Pro. This variant was reported along with a second MYO15A variant of unknown phase in at least six individuals with hearing loss, and in four of those cases the second variant was a different likely pathogenic MYO15A variant (Family 44, Adeyemo et al. 2022. PubMed ID: 34837038; Family 34, Wonkam et al. 2022. PubMed ID: 35440622; Internal data, PreventionGenetics). This variant is reported in 0.042% of alleles in individuals of African descent in gnomAD. This variant is interpreted as likely pathogenic.

Laboratory of Molecular, Cellular and Translation Genetics in Otolaryngology/ Lim32-hcfmusp, University of Sao Paulo School of Medicine Clinics Hospital
Classification: Likely pathogenic for Autosomal recessive nonsyndromic hearing loss 3. Last evaluated: 2026-04-30. Review status: criteria provided, single submitter. Criteria: ClinGen HL ACMG Specifications v1. Collection method: research. Allele origin: germline. Affected: yes.
Comment: NM_016239.4:c.6302T>C:p.(Leu2101Pro). This variant has been classified as likely pathogenic. It is rare in population databases (PM2), and in silico prediction tools support a deleterious effect on protein function (PP3_moderate). It has been repeatedly reported in trans with other pathogenic MYO15A variants (PM3). These findings support its role in autosomal recessive hearing loss.

GeneDx
Classification: Likely pathogenic. Last evaluated: 2025-01-31. Review status: criteria provided, single submitter. Criteria: GeneDx Variant Classification Process June 2021. Collection method: clinical testing. Allele origin: germline. Affected: yes.
Comment: Observed with a second MYO15A variant in several individuals with bilateral hearing loss in the published literature, but it is not known whether the variants occurred on the same (in cis) or on different (in trans) chromosomes (PMID: 34837038, 35440622); In silico analysis supports that this missense variant has a deleterious effect on protein structure/function; This variant is associated with the following publications: (PMID: 35440622, 34837038)

Women's Health and Genetics/Laboratory Corporation of America, LabCorp
Classification: Uncertain significance. Last evaluated: 2024-04-26. Review status: criteria provided, single submitter. Criteria: LabCorp Variant Classification Summary - May 2015. Collection method: clinical testing. Allele origin: germline.
Comment: Variant summary: MYO15A c.6302T>C (p.Leu2101Pro) results in a non-conservative amino acid change located in the MyTH4 domain (IPR000857) of the encoded protein sequence. Five of five in-silico tools predict a damaging effect of the variant on protein function. The variant allele was found at a frequency of 4e-05 in 248224 control chromosomes. c.6302T>C has been reported in the literature in individuals affected with Autosomal Recessive Nonsyndromic Hearing Loss (Adeyemo_2022, Wonkam_2022). These data indicate that the variant may be associated with disease. To our knowledge, no experimental evidence demonstrating an impact on protein function has been reported. The following publications have been ascertained in the context of this evaluation (PMID: 34837038, 35440622). ClinVar contains an entry for this variant (Variation ID: 1027555). Based on the evidence outlined above, the variant was classified as VUS-possibly pathogenic.

Labcorp Genetics (formerly Invitae), Labcorp
Classification: Uncertain significance. Last evaluated: 2021-08-19. Review status: criteria provided, single submitter. Criteria: Invitae Variant Classification Sherloc (09022015). Collection method: clinical testing. Allele origin: germline.
Comment: This sequence change replaces leucine with proline at codon 2101 of the MYO15A protein (p.Leu2101Pro). The leucine residue is highly conserved and there is a moderate physicochemical difference between leucine and proline. This variant is present in population databases (rs201908493, ExAC 0.08%). This missense change has been observed in individual(s) with nonsyndromic deafness (Invitae). ClinVar contains an entry for this variant (Variation ID: 1027555). Algorithms developed to predict the effect of missense changes on protein structure and function are either unavailable or do not agree on the potential impact of this missense change (SIFT: "Deleterious"; PolyPhen-2: "Not Available"; Align-GVGD: "Class C65"). In summary, the available evidence is currently insufficient to determine the role of this variant in disease. Therefore, it has been classified as a Variant of Uncertain Significance.

National Institute on Deafness and Communication Disorders, National Institutes of Health
Classification: Uncertain significance for Childhood onset hearing loss. Last evaluated: 2021-07-08. Review status: criteria provided, single submitter. Criteria: ClinGen HL ACMG Specifications v1. Collection method: research. Allele origin: germline. Inheritance: Autosomal recessive inheritance. Affected: yes. Observed: 1 heterozygote. Segregation with disease not observed.
Comment: PM1, PM2_supporting, PP3 / Modifications from PMID: 30311386 for classification: The genetic causes of hearing loss have not yet been well characterized in the Yoruba population, and the information regarding variant MAF in this population is still limited, so we did not exclude any variant based on their "high" MAF. PP3 criteria was applied even if the REVEL score was below 0.7, if at least two of the pathogenicity prediction algorithms used predicted that the variant was damaging or likely damaging.

was found associated with NM_016239.4:c.4216G>A

Literature cited by the submitters: PubMed 34837038 (cited by Laboratory of Molecular, Cellular and Translation Genetics in Otolaryngology/ Lim32-hcfmusp, University of Sao Paulo School of Medicine Clinics Hospital and Women's Health and Genetics/Laboratory Corporation of America, LabCorp); PubMed 35440622 (cited by Laboratory of Molecular, Cellular and Translation Genetics in Otolaryngology/ Lim32-hcfmusp, University of Sao Paulo School of Medicine Clinics Hospital and Women's Health and Genetics/Laboratory Corporation of America, LabCorp); PubMed 42233699 (cited by Laboratory of Molecular, Cellular and Translation Genetics in Otolaryngology/ Lim32-hcfmusp, University of Sao Paulo School of Medicine Clinics Hospital).

NM_016239.4(MYO15A):c.6302T>C (p.Leu2101Pro)

Gene: MYO15A (myosin XVA; plus strand). Cytogenetic location: 17p11.2.
Variant type: single nucleotide variant.
Coding change: c.6302T>C on transcript NM_016239.4 (MANE Select); coding-DNA position 6302, T replaced by C.
Protein change: p.Leu2101Pro; replaces leucine 2101 with proline.
Molecular consequence: missense variant.
Genome position (GRCh38, 1-based): chr17:18,145,900, T>C. VCF-style: chr17-18145900-T-C. GRCh37 (hg19) VCF-style: chr17-18049214-T-C.
Other names: c.6302T>C (NM_016239.3); short protein forms L2101P.
Identifiers: ClinVar variation 1027555 (VCV001027555.18), dbSNP rs201908493, ClinGen allele CA8424564.